The following is an entry in ClinVar:

ClinVar aggregate classification (germline): Uncertain significance (1 of 4 stars; one submission).

Conditions:
Inborn genetic diseases. Identifiers: MedGen C0950123, MeSH D030342.

Submission:

Ambry Genetics
Classification: Uncertain significance for Inborn genetic diseases. Last evaluated: 2024-12-15. Review status: criteria provided, single submitter. Criteria: Ambry Variant Classification Scheme 2023. Collection method: clinical testing. Allele origin: germline.
Comment: The p.G1048V variant (also known as c.3143G>T), located in coding exon 31 of the RTEL1 gene, results from a G to T substitution at nucleotide position 3143. The glycine at codon 1048 is replaced by valine, an amino acid with dissimilar properties. This amino acid position is conserved. In addition, this alteration is predicted to be tolerated by in silico analysis. Based on the available evidence, the clinical significance of this variant remains unclear.

NM_001283009.2(RTEL1):c.3143G>T (p.Gly1048Val)

Genes: RTEL1 (regulator of telomere elongation helicase 1; plus strand), RTEL1-TNFRSF6B (RTEL1-TNFRSF6B readthrough (NMD candidate); plus strand). Cytogenetic location: 20q13.33.
Variant type: single nucleotide variant.
Coding change: c.3143G>T on transcript NM_001283009.2 (MANE Select); coding-DNA position 3143, G replaced by T.
Protein change: p.Gly1048Val; replaces glycine 1048 with valine.
Molecular consequence: missense variant. On other transcripts: non-coding transcript variant (1).
Genome position (GRCh38, 1-based): chr20:63,694,774, G>T. VCF-style: chr20-63694774-G-T. GRCh37 (hg19) VCF-style: chr20-62326127-G-T.
Other names: c.2474G>T, p.Gly825Val (NM_001283010.1); c.3143G>T, p.Gly1048Val (NM_016434.4); c.3215G>T, p.Gly1072Val (NM_032957.5); short protein forms G1072V, G825V, G1048V.
Identifiers: ClinVar variation 3790975 (VCV003790975.1).
Genomic context (GRCh38, chr20:63,694,774, plus strand): 5'-CTCTGAGCCATGCTACTCCCACACCAGGAGACCCTGGCAGCCAACCACAGTGGGGGTCTG[G>T]AGTGCCCAGAGCAGGGAAGCAGGGCCAGCACGCCGTGAGCGCCTACCTGGCTGATGCCCG-3'
Protein context (NP_001269938.1, residues 1038-1058): DPGSQPQWGS[Gly1048Val]VPRAGKQGQH